The following is an entry in ClinVar:

ClinVar aggregate classification (germline): Likely pathogenic (1 of 4 stars; one submission).

Conditions:
Polycystic kidney disease, adult type (PKD1). Also called: POLYCYSTIC KIDNEY DISEASE 1 WITH OR WITHOUT POLYCYSTIC LIVER DISEASE; Polycystic Kidney Disease 1, Autosomal Dominant; Polycystic kidney disease 1; Polycystic kidney disease 1, severe; POLYCYSTIC KIDNEY DISEASE, ADULT, TYPE I; Polycystic Kidney, Autosomal Dominant. Identifiers: MedGen C3149841, MONDO:0008263, OMIM 173900.

Submission:

CGC Genetics, Unilabs
Classification: Likely pathogenic for Polycystic kidney disease, adult type. Last evaluated: 2026-01-19. Review status: criteria provided, single submitter. Criteria: ACMG Guidelines, 2015. Collection method: clinical testing. Allele origin: germline. Inheritance: Autosomal dominant inheritance. Affected: yes. Observed: 1 variant allele.
Comment: The variant NM_001009944.3.5133dup p.(Met1712Hisfs*59), detected in heterozygosity in the PKD1 gene (chr.16), is not described in the literature nor in the ClinVar database. It is also not reported in the population database gnomAD nor in the PKdb database (Autosomal Dominant Polycystic Kidney Disease Mutation Database). In addition, this is a frameshift variant, located in exon 15 (of 46 exons), which creates a premature stop codon and, therefore, is predicted to produce a truncated protein and/or loss of expression due to mRNA degradation. Based on the available information, this variant should be considered likely pathogenic.

NM_001009944.3(PKD1):c.5133dup (p.Met1712fs)

Gene: PKD1 (polycystin 1, transient receptor potential channel interacting; minus strand). Cytogenetic location: 16p13.3.
Variant type: Duplication.
Coding change: c.5133dup on transcript NM_001009944.3 (MANE Select); coding-DNA position 5133, one base duplicated (C; older notation c.5133dupC).
Protein change: p.Met1712fs; shifts the reading frame from methionine 1712.
Molecular consequence: frameshift variant.
Genome position (GRCh38, 1-based): chr16:2,110,034, G duplicated on the plus strand (C on the coding strand, the reverse complement: PKD1 is on the minus strand); the first of 2 consecutive G bases (chr16:2,110,034-2,110,035); duplicating either gives the same sequence. VCF-style (leftmost placement, unchanged base first): chr16-2110033-T-TG. GRCh37 (hg19) VCF-style: chr16-2160034-T-TG.
Other names: c.5133dup, p.Met1712fs (NM_000296.4); short protein forms M1712fs.
Identifiers: ClinVar variation 4851598 (VCV004851598.1).